The following is an entry in ClinVar:

ClinVar aggregate classification (germline): Uncertain significance (1 of 4 stars; one submission).

Allele frequency attached by ClinVar (database versions not stated): ExAC 0.00001.
gnomAD v4.1: 1 of 1,613,954 alleles (0.000062%); highest among the groups gnomAD compares: Non-Finnish European, 0.000085%; no homozygotes.

Submission:

Labcorp Genetics (formerly Invitae), Labcorp
Classification: Uncertain significance. Last evaluated: 2022-09-26. Review status: criteria provided, single submitter. Criteria: Invitae Variant Classification Sherloc (09022015). Collection method: clinical testing. Allele origin: germline.
Comment: This variant is present in population databases (rs770444598, gnomAD 0.0009%). This sequence change replaces glutamic acid, which is acidic and polar, with glycine, which is neutral and non-polar, at codon 1238 of the TBC1D32 protein (p.Glu1238Gly). This variant has not been reported in the literature in individuals affected with TBC1D32-related conditions. Algorithms developed to predict the effect of missense changes on protein structure and function are either unavailable or do not agree on the potential impact of this missense change (SIFT: "Deleterious"; PolyPhen-2: "Possibly Damaging"; Align-GVGD: "Class C0"). In summary, the available evidence is currently insufficient to determine the role of this variant in disease. Therefore, it has been classified as a Variant of Uncertain Significance.

NM_152730.6(TBC1D32):c.3713A>G (p.Glu1238Gly)

Gene: TBC1D32 (TBC1 domain family member 32; minus strand). Cytogenetic location: 6q22.31.
Variant type: single nucleotide variant.
Coding change: c.3713A>G on transcript NM_152730.6 (MANE Select); coding-DNA position 3713, A replaced by G.
Protein change: p.Glu1238Gly; replaces glutamic acid 1238 with glycine.
Molecular consequence: missense variant. On other transcripts: non-coding transcript variant (1).
Genome position (GRCh38, 1-based): chr6:121,080,832, T>C on the plus strand (A>G on the coding strand, the complement: TBC1D32 is on the minus strand). VCF-style: chr6-121080832-T-C. GRCh37 (hg19) VCF-style: chr6-121401978-T-C.
Other names: c.3836A>G, p.Glu1279Gly (NM_001367759.1, NM_001367760.1); short protein forms E1279G, E1238G.
Identifiers: ClinVar variation 2009950 (VCV002009950.4), dbSNP rs770444598, ClinGen allele CA3980360.